The following is an entry in ClinVar:

ClinVar aggregate classification (germline): Likely pathogenic (1 of 4 stars; one submission).

Submission:

GeneDx
Classification: Likely pathogenic. Last evaluated: 2025-04-11. Review status: criteria provided, single submitter. Criteria: GeneDx Variant Classification Process June 2021. Collection method: clinical testing. Allele origin: germline. Affected: yes.
Comment: Not observed at significant frequency in large population cohorts (gnomAD); In silico analysis supports that this missense variant has a deleterious effect on protein structure/function; Has not been previously published as pathogenic or benign to our knowledge

NM_001128.6(AP1G1):c.126C>A (p.Asp42Glu)

Gene: AP1G1 (adaptor related protein complex 1 subunit gamma 1; minus strand). Cytogenetic location: 16q22.2.
Variant type: single nucleotide variant.
Coding change: c.126C>A on transcript NM_001128.6 (MANE Select); coding-DNA position 126, C replaced by A.
Protein change: p.Asp42Glu; replaces aspartic acid 42 with glutamic acid.
Molecular consequence: missense variant.
Genome position (GRCh38, 1-based): chr16:71,789,354, G>T on the plus strand (C>A on the coding strand, the complement: AP1G1 is on the minus strand). VCF-style: chr16-71789354-G-T. GRCh37 (hg19) VCF-style: chr16-71823257-G-T.
Other names: c.126C>A, p.Asp42Glu (NM_001030007.2); short protein forms D42E.
Identifiers: ClinVar variation 3602540 (VCV003602540.2).